The following is an entry in ClinVar:

ClinVar aggregate classification (germline): Uncertain significance. Review status: criteria provided, multiple submitters, no conflicts (2 of 4 stars). 2 submissions from 2 submitters: Uncertain significance (2). Last evaluated 2025-09-10.

Conditions:
Hereditary cancer-predisposing syndrome. Also called: Neoplastic Syndromes, Hereditary; Tumor predisposition; Hereditary neoplastic syndrome; Hereditary Cancer Syndrome. Identifiers: Orphanet 140162, MedGen C0027672, MeSH D009386, MONDO:0015356.

gnomAD v4.1: 2 of 1,602,562 alleles (0.00012%); highest among the groups gnomAD compares: Non-Finnish European, 0.00017%; no homozygotes.

Submissions (2):

Labcorp Genetics (formerly Invitae), Labcorp
Classification: Uncertain significance. Last evaluated: 2025-09-10. Review status: criteria provided, single submitter. Criteria: Invitae Variant Classification Sherloc (09022015). Collection method: clinical testing. Allele origin: germline.
Comment: This sequence change replaces arginine, which is basic and polar, with serine, which is neutral and polar, at codon 128 of the NTHL1 protein (p.Arg128Ser). This variant is not present in population databases (gnomAD no frequency). This variant has not been reported in the literature in individuals affected with NTHL1-related conditions. ClinVar contains an entry for this variant (Variation ID: 824271). An algorithm developed to predict the effect of missense changes on protein structure and function (PolyPhen-2) suggests that this variant is likely to be tolerated. RNA analysis performed to evaluate the impact of this missense change on mRNA splicing indicates it does not significantly alter splicing (internal data). In summary, the available evidence is currently insufficient to determine the role of this variant in disease. Therefore, it has been classified as a Variant of Uncertain Significance.

Ambry Genetics
Classification: Uncertain significance for Hereditary cancer-predisposing syndrome. Last evaluated: 2019-07-09. Review status: criteria provided, single submitter. Criteria: Ambry Variant Classification Scheme 2023. Collection method: clinical testing. Allele origin: germline.
Comment: The p.R128S variant (also known as c.382C>A), located in coding exon 3 of the NTHL1 gene, results from a C to A substitution at nucleotide position 382. The arginine at codon 128 is replaced by serine, an amino acid with dissimilar properties. This amino acid position is not well conserved in available vertebrate species. In addition, the in silico prediction for this alteration is inconclusive. Since supporting evidence is limited at this time, the clinical significance of this alteration remains unclear.

NM_002528.7(NTHL1):c.358C>A (p.Arg120Ser)

Gene: NTHL1 (nth like DNA glycosylase 1; minus strand). Cytogenetic location: 16p13.3.
Variant type: single nucleotide variant.
Coding change: c.358C>A on transcript NM_002528.7 (MANE Select); coding-DNA position 358, C replaced by A.
Protein change: p.Arg120Ser; replaces arginine 120 with serine.
Molecular consequence: missense variant. On other transcripts: intron variant (1).
Genome position (GRCh38, 1-based): chr16:2,044,797, G>T on the plus strand (C>A on the coding strand, the complement: NTHL1 is on the minus strand). VCF-style: chr16-2044797-G-T. GRCh37 (hg19) VCF-style: chr16-2094798-G-T.
Other names: c.28C>A, p.Arg10Ser (NM_001318194.2); c.355-1071C>A (NM_001318193.2); short protein forms R10S, R120S.
Identifiers: ClinVar variation 824271 (VCV000824271.7), dbSNP rs370228590, ClinGen allele CA394294808.
Genomic context (GRCh38, chr16:2,044,797, plus strand): 5'-CCGTCACCTGGTCTTTGGTTTGGCTGGAGAGCATCAGTGACAGCAGCACCTGGTACCTGC[G>T]TACCTGCTTGTGCAGTGACAGGGACCGGGGTGGCGGCGGGTCCTGGGTGATTCCCTGGCC-3'
Protein context (NP_002519.2, residues 110-130): CYDSSAPPKV[Arg120Ser]RYQVLLSLML